The following is an entry in ClinVar:

ClinVar aggregate classification (germline): Conflicting classifications of pathogenicity. Review status: criteria provided, conflicting classifications (1 of 4 stars). 4 submissions from 4 submitters: Pathogenic (1); Uncertain significance (3). Last evaluated 2026-10-01.

Conditions:
Glutaric aciduria, type 1. Also called: Glutaricacidemia Type 1; Glutaryl-CoA dehydrogenase deficiency; Glutaric acidemia type I; Glutaric Acidemia Type 1; Glutaricaciduria, type I; GA I. Identifiers: Orphanet 25, MedGen C0268595, MONDO:0009281, OMIM 231670.

gnomAD v4.1: 2 of 1,614,126 alleles (0.00012%); highest among the groups gnomAD compares: Admixed American, 0.0033%; no homozygotes.

Submissions (4):

Laboratorio de Biologia Molecular - Genetica, Hospital de Pediatria Garrahan
Classification: Pathogenic for Glutaric aciduria, type 1. Last evaluated: 2026-10-01. Review status: criteria provided, single submitter. Criteria: ACMG Guidelines, 2015. Collection method: clinical testing. Allele origin: germline. Affected: yes. Observed: 7 variant alleles.
Comment: This sequence change replaces methionine, which is neutral and non-polar, with isoleucine, which is neutral and non-polar, at codon 366 of the GCDH protein (p.Met366Ile). ClinVar contains an entry for this variant (VCV000656532.8). This variant is present in population databases at an extremely low frequency (gnomAD <0.001%) (PM2_supporting). This variant has not been reported in the literature in individuals affected with GCDH-related conditions. This variant is predicted to be deleterious based on computational evidence, with a REVEL score of 0.69 (PP3). This variant has been detected in a compound heterozygous state with other pathogenic variants in the GCDH gene in six Argentinean patients, and in a homozygous state in one (internal data) (PM3_very_strong). For these reasons, this variant has been classified as Pathogenic.

3billion
Classification: Uncertain significance for Glutaric aciduria, type 1. Last evaluated: 2023-02-23. Review status: criteria provided, single submitter. Criteria: ACMG Guidelines, 2015. Collection method: clinical testing. Allele origin: unknown. Affected: yes.
Comment: The variant is not observed in the gnomAD v2.1.1 dataset. Missense changes are a common disease-causing mechanism. In silico tool predictions suggest damaging effect of the variant on gene or gene product (REVEL: 0.69; 3Cnet: 0.86). Therefore, this variant is classified as VUS according to the recommendation of ACMG/AMP guideline.

Labcorp Genetics (formerly Invitae), Labcorp
Classification: Uncertain significance for Glutaric aciduria, type 1. Last evaluated: 2021-08-28. Review status: criteria provided, single submitter. Criteria: Invitae Variant Classification Sherloc (09022015). Collection method: clinical testing. Allele origin: germline.
Comment: This sequence change replaces methionine with isoleucine at codon 366 of the GCDH protein (p.Met366Ile). The methionine residue is highly conserved and there is a small physicochemical difference between methionine and isoleucine. This variant is not present in population databases (ExAC no frequency). This variant has not been reported in the literature in individuals affected with GCDH-related conditions. Algorithms developed to predict the effect of missense changes on protein structure and function are either unavailable or do not agree on the potential impact of this missense change (SIFT: "Deleterious"; PolyPhen-2: "Possibly Damaging"; Align-GVGD: "Class C0"). In summary, the available evidence is currently insufficient to determine the role of this variant in disease. Therefore, it has been classified as a Variant of Uncertain Significance.

GeneDx
Classification: Uncertain significance. Last evaluated: 2019-12-23. Review status: criteria provided, single submitter. Criteria: GeneDx Variant Classification Process June 2021. Collection method: clinical testing. Allele origin: germline. Affected: yes.
Comment: Has not been previously published as pathogenic or benign to our knowledge; Not observed in large population cohorts (Lek et al., 2016); In silico analysis, which includes protein predictors and evolutionary conservation, supports that this variant does not alter protein structure/function

NM_000159.4(GCDH):c.1098G>A (p.Met366Ile)

Gene: GCDH (glutaryl-CoA dehydrogenase; plus strand). Cytogenetic location: 19p13.13.
Variant type: single nucleotide variant.
Coding change: c.1098G>A on transcript NM_000159.4 (MANE Select); coding-DNA position 1098, G replaced by A.
Protein change: p.Met366Ile; replaces methionine 366 with isoleucine.
Molecular consequence: missense variant. On other transcripts: non-coding transcript variant (2).
Genome position (GRCh38, 1-based): chr19:12,897,718, G>A. VCF-style: chr19-12897718-G-A. GRCh37 (hg19) VCF-style: chr19-13008532-G-A.
Other names: c.1098G>A, p.Met366Ile (NM_013976.5); short protein forms M366I.
Identifiers: ClinVar variation 656532 (VCV000656532.9), dbSNP rs1599618698, ClinGen allele CA404321257.